The following is an entry in ClinVar:

NM_000302.4(PLOD1):c.578G>A (p.Arg193Lys)

Gene: PLOD1 (procollagen-lysine,2-oxoglutarate 5-dioxygenase 1; plus strand). Cytogenetic location: 1p36.22.
Variant type: single nucleotide variant.
Coding change: c.578G>A on transcript NM_000302.4 (MANE Select); coding-DNA position 578, G replaced by A.
Protein change: p.Arg193Lys; replaces arginine 193 with lysine.
Molecular consequence: missense variant.
Genome position (GRCh38, 1-based): chr1:11,952,734, G>A. VCF-style: chr1-11952734-G-A. GRCh37 (hg19) VCF-style: chr1-12012791-G-A.
Other names: c.719G>A, p.Arg240Lys (NM_001316320.2); short protein forms R240K, R193K.
Identifiers: ClinVar variation 3890564 (VCV003890564.1).
Genomic context (GRCh38, chr1:11,952,734, plus strand): 5'-GCCAGGACAGCGACAGCGATCAGCTGTTTTACACCAAGATCTTCTTGGACCCGGAGAAGA[G>A]GGTAAGAGGCAGTGGGCGGGCCAAGGAGAGGGGGCTGGGGATCCACCGGCCAGGCTGCAC-3'
Protein context (NP_000293.2, residues 183-203): YTKIFLDPEK[Arg193Lys]EQINITLDHR

ClinVar aggregate classification (germline): Uncertain significance (1 of 4 stars; one submission).

Conditions:
Familial thoracic aortic aneurysm and aortic dissection (TAAD). Also called: Thoracic aortic aneurysms and dissections. Identifiers: Orphanet 91387, MedGen C4707243, MONDO:0019625.

gnomAD v4.1: 1 of 1,608,444 alleles (0.000062%); highest among the groups gnomAD compares: Non-Finnish European, 0.000085%; no homozygotes.

Submission:

Ambry Genetics
Classification: Uncertain significance for Familial thoracic aortic aneurysm and aortic dissection. Last evaluated: 2025-02-22. Review status: criteria provided, single submitter. Criteria: Ambry Variant Classification Scheme 2023. Collection method: clinical testing. Allele origin: germline.
Comment: The p.R193K variant (also known as c.578G>A), located in coding exon 5 of the PLOD1 gene, results from a G to A substitution at nucleotide position 578. The arginine at codon 193 is replaced by lysine, an amino acid with highly similar properties. This amino acid position is conserved. In addition, the in silico prediction for this alteration is inconclusive. Based on the available evidence, the clinical significance of this variant remains unclear.